The following is an entry in ClinVar:

NM_002382.5(MAX):c.284T>C (p.Leu95Pro)

Gene: MAX (MYC associated transcriptional regulator X; minus strand). Cytogenetic location: 14q23.3.
Variant type: single nucleotide variant.
Coding change: c.284T>C on transcript NM_002382.5 (MANE Select); coding-DNA position 284, T replaced by C.
Protein change: p.Leu95Pro; replaces leucine 95 with proline.
Molecular consequence: missense variant. On other transcripts: intron variant (2).
Genome position (GRCh38, 1-based): chr14:65,077,924, A>G on the plus strand (T>C on the coding strand, the complement: MAX is on the minus strand). VCF-style: chr14-65077924-A-G. GRCh37 (hg19) VCF-style: chr14-65544642-A-G.
Other names: c.144+15784T>C (NM_001271069.2); c.171+15784T>C (NM_197957.4); c.10T>C, p.Trp4Arg (NM_001320415.2, NM_001407105.1, NM_001407106.1 and 1 more transcripts); c.284T>C, p.Leu95Pro (NM_001407094.1, NM_001407096.1, NM_001407097.1 and 3 more transcripts); c.257T>C, p.Leu86Pro (NM_001407095.1, NM_001407099.1, NM_001407100.1 and 6 more transcripts); c.176T>C, p.Leu59Pro (NM_001407098.1); c.-84T>C (NM_001407111.1, NM_001407112.1); short protein forms L95P, W4R, L86P, L59P.
Identifiers: ClinVar variation 239147 (VCV000239147.12), dbSNP rs878854499, ClinGen allele CA10583177.

ClinVar aggregate classification (germline): Uncertain significance. Review status: criteria provided, multiple submitters, no conflicts (2 of 4 stars). 2 submissions from 2 submitters: Uncertain significance (2). Last evaluated 2024-03-23.

Conditions:
Hereditary cancer-predisposing syndrome. Also called: Hereditary neoplastic syndrome; Neoplastic Syndromes, Hereditary; Tumor predisposition; Hereditary Cancer Syndrome. Identifiers: Orphanet 140162, MedGen C0027672, MeSH D009386, MONDO:0015356.
Hereditary pheochromocytoma and paraganglioma. Also called: Hereditary Paraganglioma-Pheochromocytoma Syndromes; Hereditary paragangliomas and pheochromocytomas; Hereditary pheochromocytoma-paraganglioma. Identifiers: Orphanet 29072, MedGen C4274332, MONDO:0017366.

Submissions (2):

Labcorp Genetics (formerly Invitae), Labcorp
Classification: Uncertain significance for Hereditary pheochromocytoma and paraganglioma. Last evaluated: 2024-03-23. Review status: criteria provided, single submitter. Criteria: Invitae Variant Classification Sherloc (09022015). Collection method: clinical testing. Allele origin: germline.
Comment: This sequence change replaces leucine, which is neutral and non-polar, with proline, which is neutral and non-polar, at codon 95 of the MAX protein (p.Leu95Pro). This variant is not present in population databases (gnomAD no frequency). This missense change has been observed in individual(s) with pheochromocytomas (Invitae). ClinVar contains an entry for this variant (Variation ID: 239147). An algorithm developed to predict the effect of missense changes on protein structure and function (PolyPhen-2) suggests that this variant is likely to be disruptive. In summary, the available evidence is currently insufficient to determine the role of this variant in disease. Therefore, it has been classified as a Variant of Uncertain Significance.

Ambry Genetics
Classification: Uncertain significance for Hereditary cancer-predisposing syndrome. Last evaluated: 2022-06-10. Review status: criteria provided, single submitter. Criteria: Ambry Variant Classification Scheme 2023. Collection method: clinical testing. Allele origin: germline.
Comment: The p.L95P variant (also known as c.284T>C), located in coding exon 4 of the MAX gene, results from a T to C substitution at nucleotide position 284. The leucine at codon 95 is replaced by proline, an amino acid with similar properties. This alteration was identified in an individual diagnosed with a pheochromocytoma and/or paraganglioma (Yonamine M et al. Cancers (Basel), 2021 Aug;13:). This amino acid position is highly conserved in available vertebrate species. In addition, this alteration is predicted to be deleterious by in silico analysis. Since supporting evidence is limited at this time, the clinical significance of this alteration remains unclear.

Literature cited by the submitters: PubMed 34439168 (cited by Ambry Genetics).